The following is an entry in ClinVar:

ClinVar aggregate classification (germline): Pathogenic. Review status: criteria provided, multiple submitters, no conflicts (2 of 4 stars). 3 submissions from 3 submitters: Pathogenic (2). 1 of the submissions does not count toward it. Last evaluated 2024-07-03.

Conditions:
G6PC3-related disorders.
Autosomal recessive severe congenital neutropenia due to G6PC3 deficiency. Also called: NEUTROPENIA, SEVERE CONGENITAL, 4, AUTOSOMAL RECESSIVE; G6PC3 Deficiency. Identifiers: Orphanet 331176, MedGen C2751630, MONDO:0012930, OMIM 612541.

Allele frequency attached by ClinVar (database versions not stated): gnomAD exomes 0.00001 and 0.00002; TOPMed 0.00001; ExAC 0.00002; ESP Exome Variant Server 0.00008.

Submissions (3):

Blueprint Genetics
Classification: Pathogenic for G6PC3-related disorders. Last evaluated: 2024-07-03. Review status: criteria provided, single submitter. Criteria: ACMG Guidelines, 2015. Collection method: clinical testing. Allele origin: germline. Affected: yes. Observed: 2 variant alleles.

Labcorp Genetics (formerly Invitae), Labcorp
Classification: Pathogenic for Autosomal recessive severe congenital neutropenia due to G6PC3 deficiency. Last evaluated: 2024-02-14. Review status: criteria provided, single submitter. Criteria: Invitae Variant Classification Sherloc (09022015). Collection method: clinical testing. Allele origin: germline.
Comment: This sequence change creates a premature translational stop signal (p.Gln277*) in the G6PC3 gene. While this is not anticipated to result in nonsense mediated decay, it is expected to disrupt the last 70 amino acid(s) of the G6PC3 protein. This variant is present in population databases (rs148559256, gnomAD 0.004%). This premature translational stop signal has been observed in individuals with autosomal recessive G6PC3 deficiency (PMID: 19118303, 23171239). ClinVar contains an entry for this variant (Variation ID: 189783). This variant disrupts a region of the G6PC3 protein in which other variant(s) (p.Leu325Arg) have been determined to be pathogenic (PMID: 24105461). This suggests that this is a clinically significant region of the protein, and that variants that disrupt it are likely to be disease-causing. For these reasons, this variant has been classified as Pathogenic.

GeneReviews
No classification provided. Condition: Autosomal recessive severe congenital neutropenia due to G6PC3 deficiency. Review status: no classification provided. Collection method: literature only. Allele origin: germline. Affected: yes. Not counted in ClinVar's aggregate classification.

Literature cited by the submitters: PubMed 19118303 (cited by Labcorp Genetics (formerly Invitae), Labcorp); PubMed 23171239 (cited by Labcorp Genetics (formerly Invitae), Labcorp); PubMed 24105461 (cited by Labcorp Genetics (formerly Invitae), Labcorp); PubMed 23758768 (cited by GeneReviews); NCBI Bookshelf NBK285321 (cited by GeneReviews).

NM_138387.4(G6PC3):c.829C>T (p.Gln277Ter)

Gene: G6PC3 (glucose-6-phosphatase catalytic subunit 3; plus strand). Cytogenetic location: 17q21.31.
Variant type: single nucleotide variant.
Coding change: c.829C>T on transcript NM_138387.4 (MANE Select); coding-DNA position 829, C replaced by T.
Protein change: p.Gln277Ter; replaces glutamine 277 with a stop codon.
Molecular consequence: nonsense. On other transcripts: 3 prime UTR variant (1).
Genome position (GRCh38, 1-based): chr17:44,075,831, C>T. VCF-style: chr17-44075831-C-T. GRCh37 (hg19) VCF-style: chr17-42153199-C-T.
Other names: NP_612396.1:p.Gly277Ter; c.*122C>T (NM_001319945.2); c.484C>T, p.Gln162Ter (NM_001384165.1, NM_001384166.1, NM_001384167.1 and 1 more transcripts); short protein forms Q277*, Q162*.
Identifiers: ClinVar variation 189783 (VCV000189783.6), dbSNP rs148559256, ClinGen allele CA347177.